The following is an entry in ClinVar:

NM_025114.4(CEP290):c.1790_1805del (p.Leu596_Leu597insTer)

Gene: CEP290 (centrosomal protein 290; minus strand). Cytogenetic location: 12q21.32.
Variant type: Deletion.
Coding change: c.1790_1805del on transcript NM_025114.4 (MANE Select); coding-DNA positions 1790 to 1805, 16 bases deleted (TGAGCCTCAAAAATAT).
Protein change: p.Leu596_Leu597insTer.
Molecular consequence: nonsense.
Genome position (GRCh38, 1-based): chr12:88,117,052-88,117,067, ATATTTTTGAGGCTCA deleted on the plus strand (TGAGCCTCAAAAATAT on the coding strand, the reverse complement: CEP290 is on the minus strand); deleting any 16 consecutive bases within chr12:88,117,052-88,117,070 gives the same sequence; the c. name uses the placement nearest the transcript's 3' end. VCF-style (leftmost placement, unchanged base first): chr12-88117051-CATATTTTTGAGGCTCA-C. GRCh37 (hg19) VCF-style: chr12-88510828-CATATTTTTGAGGCTCA-C.
Identifiers: ClinVar variation 2921632 (VCV002921632.3), dbSNP rs2500866434, ClinGen allele CA2740092510.
Genomic context (GRCh38, chr12:88,117,051, plus strand): 5'-AAAATATTTTCCTTTACTCTCTTTGCAATACTTTACTATTACCTTTGATTGTGCTTCACT[CATATTTTTGAGGCTCA>C]ATAAATCCAATTTTCTTTCACTTATTCTATCTCCTTGAGAAATGTTTTCAGTTAGGTTCA-3'

ClinVar aggregate classification (germline): Pathogenic (1 of 4 stars; one submission).

Conditions:
Joubert syndrome. Also called: CEREBELLOPARENCHYMAL DISORDER IV; JOUBERT-BOLTSHAUSER SYNDROME; Familial aplasia of the vermis. Identifiers: Orphanet 475, MedGen C5979921, MONDO:0018772.
Nephronophthisis. Also called: Juvenile Nephronophthisis. Identifiers: Orphanet 655, MedGen C0687120, MONDO:0019005, HP:0000090.
Meckel-Gruber syndrome. Also called: DYSENCEPHALIA SPLANCHNOCYSTICA; GRUBER SYNDROME; Dysencephalia splachnocystica. Identifiers: Orphanet 564, MedGen C0265215, MONDO:0018921.

Submission:

Labcorp Genetics (formerly Invitae), Labcorp
Classification: Pathogenic for Joubert syndrome; Meckel-Gruber syndrome; Nephronophthisis. Last evaluated: 2023-12-22. Review status: criteria provided, single submitter. Criteria: Invitae Variant Classification Sherloc (09022015). Collection method: clinical testing. Allele origin: germline.
Comment: This sequence change creates a premature translational stop signal (p.Leu597*) in the CEP290 gene. It is expected to result in an absent or disrupted protein product. Loss-of-function variants in CEP290 are known to be pathogenic (PMID: 16909394, 17345604, 20690115). This variant is not present in population databases (gnomAD no frequency). This variant has not been reported in the literature in individuals affected with CEP290-related conditions. For these reasons, this variant has been classified as Pathogenic.

Literature cited by the submitters: PubMed 16909394; PubMed 17345604; PubMed 20690115.